The following is an entry in ClinVar:

ClinVar aggregate classification (germline): Benign/Likely benign. Review status: criteria provided, multiple submitters, no conflicts (2 of 4 stars). 4 submissions from 4 submitters: Benign (2); Likely benign (2). Last evaluated 2026-06-01.

Conditions:
Nemaline myopathy 9 (NEM9). Identifiers: MedGen C3810384, MONDO:0014326, OMIM 615731.

Allele frequency attached by ClinVar (database versions not stated): gnomAD exomes 0.00091 and 0.00204; TOPMed 0.00111; gnomAD 0.00119 and 0.00123; ESP Exome Variant Server 0.00146; ExAC 0.00167.
gnomAD v4.1: 1,660 of 1,613,976 alleles (0.1%); highest among the groups gnomAD compares: Non-Finnish European, 0.018%; 21 homozygotes.

Submissions (4):

CeGaT Center for Human Genetics Tuebingen
Classification: Likely benign. Last evaluated: 2026-06-01. Review status: criteria provided, single submitter. Criteria: CeGaT Center For Human Genetics Tuebingen Variant Classification Criteria Version 2. Collection method: clinical testing. Allele origin: germline. Affected: yes. Observed: 6 variant alleles.
Comment: KLHL41: BP4, BP7

Labcorp Genetics (formerly Invitae), Labcorp
Classification: Benign for Nemaline myopathy 9. Last evaluated: 2026-01-13. Review status: criteria provided, single submitter. Criteria: Invitae Variant Classification Sherloc (09022015). Collection method: clinical testing. Allele origin: germline.

GeneDx
Classification: Likely benign. Last evaluated: 2021-03-02. Review status: criteria provided, single submitter. Criteria: GeneDx Variant Classification Process June 2021. Collection method: clinical testing. Allele origin: germline. Affected: yes.

Mayo Clinic Laboratories, Mayo Clinic
Classification: Benign. Last evaluated: 2020-03-25. Review status: criteria provided, single submitter. Criteria: ACMG Guidelines, 2015. Collection method: clinical testing. Allele origin: germline. Observed: 3 variant alleles.

NM_006063.3(KLHL41):c.684A>C (p.Thr228=)

Gene: KLHL41 (kelch like family member 41; plus strand). Cytogenetic location: 2q31.1.
Variant type: single nucleotide variant.
Coding change: c.684A>C on transcript NM_006063.3 (MANE Select); coding-DNA position 684, A replaced by C.
Protein change: p.Thr228=; no amino-acid change (threonine 228 retained).
Molecular consequence: synonymous variant.
Genome position (GRCh38, 1-based): chr2:169,510,462, A>C. VCF-style: chr2-169510462-A-C. GRCh37 (hg19) VCF-style: chr2-170366972-A-C.
Other names: p.Thr228=.
Identifiers: ClinVar variation 474875 (VCV000474875.42), dbSNP rs141395388, ClinGen allele CA1956540.